The following is an entry in ClinVar:

NM_002335.4(LRP5):c.235T>C (p.Trp79Arg)

Gene: LRP5 (LDL receptor related protein 5; plus strand). Cytogenetic location: 11q13.2.
Variant type: single nucleotide variant.
Coding change: c.235T>C on transcript NM_002335.4 (MANE Select); coding-DNA position 235, T replaced by C.
Protein change: p.Trp79Arg; replaces tryptophan 79 with arginine.
Molecular consequence: missense variant. On other transcripts: 5 prime UTR variant (1).
Genome position (GRCh38, 1-based): chr11:68,347,990, T>C. VCF-style: chr11-68347990-T-C. GRCh37 (hg19) VCF-style: chr11-68115458-T-C.
Other names: c.-1531T>C (NM_001291902.2); short protein forms W79R.
Identifiers: ClinVar variation 963332 (VCV000963332.8), dbSNP rs1197978360, ClinGen allele CA381610344.

ClinVar aggregate classification (germline): Conflicting classifications of pathogenicity. Review status: criteria provided, conflicting classifications (1 of 4 stars). 2 submissions from 2 submitters: Likely pathogenic (1); Uncertain significance (1). Last evaluated 2025-07-14.

Conditions:
Exudative vitreoretinopathy 4 (EVR4). Identifiers: Orphanet 891, MedGen C1866176, MONDO:0011151, OMIM 601813.
Osteoporosis with pseudoglioma (OPPG). Also called: osteoporosis-pseudoglioma syndrome. Identifiers: Orphanet 2788, MedGen C0432252, MONDO:0009820, OMIM 259770.
Autosomal dominant osteopetrosis 1 (OPTA1). Also called: OSTEOPETROSIS, AUTOSOMAL DOMINANT, TYPE I. Identifiers: Orphanet 2783, MedGen C1843330, MONDO:0011877, OMIM 607634.
Bone mineral density quantitative trait locus 1 (BMND1). Identifiers: MedGen C1866079, OMIM 601884.
Worth disease. Also called: Autosomal dominant osteosclerosis, Worth type; ENDOSTEAL HYPEROSTOSIS, AUTOSOMAL DOMINANT; OSTEOSCLEROSIS, AUTOSOMAL DOMINANT. Identifiers: Orphanet 2790, MedGen C0432273, MONDO:0007764, OMIM 144750.
Polycystic liver disease 4 with or without kidney cysts. Identifiers: MedGen C4693479, MONDO:0044327, OMIM 617875.

Allele frequency attached by ClinVar (database versions not stated): gnomAD exomes below 0.00001; TOPMed below 0.00001.

Submissions (2):

Labcorp Genetics (formerly Invitae), Labcorp
Classification: Likely pathogenic. Last evaluated: 2025-07-14. Review status: criteria provided, single submitter. Criteria: Invitae Variant Classification Sherloc (09022015). Collection method: clinical testing. Allele origin: germline.
Comment: This sequence change replaces tryptophan, which is neutral and slightly polar, with arginine, which is basic and polar, at codon 79 of the LRP5 protein (p.Trp79Arg). This variant is not present in population databases (gnomAD no frequency). This missense change has been observed in individual(s) with clinical features of autosomal recessive LRP5-related conditions (PMID: 25384351, 28192794). In at least one individual the data is consistent with being in trans (on the opposite chromosome) from a pathogenic variant. ClinVar contains an entry for this variant (Variation ID: 963332). Invitae Evidence Modeling of protein sequence and biophysical properties (such as structural, functional, and spatial information, amino acid conservation, physicochemical variation, residue mobility, and thermodynamic stability) indicates that this missense variant is expected to disrupt LRP5 protein function with a positive predictive value of 95%. In summary, the currently available evidence indicates that the variant is pathogenic, but additional data are needed to prove that conclusively. Therefore, this variant has been classified as Likely Pathogenic.

Fulgent Genetics
Classification: Uncertain significance for Worth disease; Osteoporosis with pseudoglioma; Exudative vitreoretinopathy 4; Bone mineral density quantitative trait locus 1; Autosomal dominant osteopetrosis 1; Polycystic liver disease 4 with or without kidney cysts. Last evaluated: 2024-05-14. Review status: criteria provided, single submitter. Criteria: ACMG Guidelines, 2015. Collection method: clinical testing. Allele origin: germline.

Literature cited by the submitters: PubMed 25384351 (cited by Labcorp Genetics (formerly Invitae), Labcorp); PubMed 28192794 (cited by Labcorp Genetics (formerly Invitae), Labcorp).